The following is an entry in ClinVar:

NM_182961.4(SYNE1):c.7686del (p.Met2562fs)

Gene: SYNE1 (spectrin repeat containing nuclear envelope protein 1; minus strand). Cytogenetic location: 6q25.2.
Variant type: Deletion.
Coding change: c.7686del on transcript NM_182961.4 (MANE Select); coding-DNA position 7686, one base deleted (G; older notation c.7686delG).
Protein change: p.Met2562fs; shifts the reading frame from methionine 2562.
Molecular consequence: frameshift variant.
Genome position (GRCh38, 1-based): chr6:152,395,542, C deleted on the plus strand (G on the coding strand, the reverse complement: SYNE1 is on the minus strand). VCF-style (leftmost placement, unchanged base first): chr6-152395541-AC-A. GRCh37 (hg19) VCF-style: chr6-152716676-AC-A.
Other names: c.7707del, p.Met2569fs (NM_033071.5); short protein forms M2562fs, M2569fs.
Identifiers: ClinVar variation 3391388 (VCV003391388.1).

ClinVar aggregate classification (germline): Likely pathogenic (1 of 4 stars; one submission).

Conditions:
Autosomal recessive ataxia, Beauce type. Also called: SYNE1 Deficiency; Spinocerebellar ataxia, autosomal recessive 8; ATAXIA, RECESSIVE, OF BEAUCE; SYNE1-Related Autosomal Recessive Cerebellar Ataxia. Identifiers: Orphanet 88644, MedGen C1853116, MONDO:0012549, OMIM 610743.

Submission:

Neuberg Centre For Genomic Medicine, NCGM
Classification: Likely pathogenic for Autosomal recessive ataxia, Beauce type. Last evaluated: 2023-06-22. Review status: criteria provided, single submitter. Criteria: ACMG Guidelines, 2015. Collection method: clinical testing. Allele origin: germline. Inheritance: Autosomal recessive inheritance. Affected: yes.
Comment: The frameshift variant c.7686del p.Met2562IlefsTer23 in the SYNE1 gene has not been reported previously as a pathogenic variant nor as a benign variant, to our knowledge. The variant is absent in the gnomAD Exomes. This variant causes a frameshift starting with codon Methionine 2562, changes this amino acid to Isoleucine residue, and creates a premature Stop codon at position 23 of the new reading frame. This variant is predicted to cause loss of normal protein function through protein truncation. Loss of function variants have been previously reported to be disease causing Qian et al., 2022. For these reasons, this variant has been classified as Likely Pathogenic